The following is an entry in ClinVar:

NM_006006.6(ZBTB16):c.1626C>T (p.Gly542=)

Gene: ZBTB16 (zinc finger and BTB domain containing 16; plus strand). Cytogenetic location: 11q23.2.
Variant type: single nucleotide variant.
Coding change: c.1626C>T on transcript NM_006006.6 (MANE Select); coding-DNA position 1626, C replaced by T.
Protein change: p.Gly542=; no amino-acid change (glycine 542 retained).
Molecular consequence: synonymous variant.
Genome position (GRCh38, 1-based): chr11:114,247,199, C>T. VCF-style: chr11-114247199-C-T. GRCh37 (hg19) VCF-style: chr11-114117921-C-T.
Other names: c.1626C>T, p.Gly542= (NM_001018011.3, NM_001354750.2, NM_001354751.2); c.1539C>T, p.Gly513= (NM_001354752.1).
Identifiers: ClinVar variation 2642388 (VCV002642388.24), dbSNP rs111400906, ClinGen allele CA6285314.

ClinVar aggregate classification (germline): Likely benign (1 of 4 stars; one submission).

Allele frequency attached by ClinVar (database versions not stated): ExAC 0.00006; gnomAD exomes 0.00008; gnomAD 0.00012; TOPMed 0.00014; ESP Exome Variant Server 0.00015.
gnomAD v4.1: 157 of 1,614,120 alleles (0.0097%); highest among the groups gnomAD compares: Middle Eastern, 0.049%; no homozygotes.

Submission:

CeGaT Center for Human Genetics Tuebingen
Classification: Likely benign. Last evaluated: 2024-09-01. Review status: criteria provided, single submitter. Criteria: CeGaT Center For Human Genetics Tuebingen Variant Classification Criteria Version 2. Collection method: clinical testing. Allele origin: germline. Affected: yes. Observed: 2 variant alleles.
Comment: ZBTB16: BP4, BP7